The following is an entry in ClinVar:

ClinVar aggregate classification (germline): Pathogenic (1 of 4 stars; one submission).

Submission:

Labcorp Genetics (formerly Invitae), Labcorp
Classification: Pathogenic. Last evaluated: 2022-12-11. Review status: criteria provided, single submitter. Criteria: Invitae Variant Classification Sherloc (09022015). Collection method: clinical testing. Allele origin: unknown.
Comment: This variant is a gross deletion of the genomic region encompassing exon(s) 35-43 of the PCNT gene. This deletion is out-of-frame, and is expected to create a premature termination codon and result in an absent or disrupted protein product. Loss-of-function variants in PCNT are known to be pathogenic (PMID: 18174396, 22821869). For these reasons, this variant has been classified as Pathogenic. This variant has not been reported in the literature in individuals affected with PCNT-related conditions.

Literature cited by the submitters: PubMed 18174396; PubMed 22821869.

NC_000021.8:g.(?_47848289)_(47861017_?)del

Gene: PCNT (pericentrin; plus strand). Cytogenetic location: 21q22.3.
Variant type: Deletion.
Identifiers: ClinVar variation 3248195 (VCV003248195.1).